The following is an entry in ClinVar:

NM_004656.4(BAP1):c.1046A>T (p.Asn349Ile)

Gene: BAP1 (BRCA1 associated deubiquitinase 1; minus strand). Cytogenetic location: 3p21.1.
Variant type: single nucleotide variant.
Coding change: c.1046A>T on transcript NM_004656.4 (MANE Select); coding-DNA position 1046, A replaced by T.
Protein change: p.Asn349Ile; replaces asparagine 349 with isoleucine.
Molecular consequence: missense variant.
Genome position (GRCh38, 1-based): chr3:52,405,180, T>A on the plus strand (A>T on the coding strand, the complement: BAP1 is on the minus strand). VCF-style: chr3-52405180-T-A. GRCh37 (hg19) VCF-style: chr3-52439196-T-A.
Other names: c.992A>T, p.Asn331Ile (NM_001410772.1); short protein forms N331I, N349I.
Identifiers: ClinVar variation 2814232 (VCV002814232.3), dbSNP rs1578223227, ClinGen allele CA353105774.

ClinVar aggregate classification (germline): Uncertain significance (1 of 4 stars; one submission).

Conditions:
BAP1-related tumor predisposition syndrome (TPDS1). Also called: COMMON Syndrome; Tumor susceptibility linked to germline BAP1 mutations; TUMOR PREDISPOSITION SYNDROME 1; BAP1 tumor predisposition syndrome. Identifiers: Orphanet 289539, MedGen C3280492, MONDO:0013692, OMIM 614327.

Submission:

Labcorp Genetics (formerly Invitae), Labcorp
Classification: Uncertain significance for BAP1-related tumor predisposition syndrome. Last evaluated: 2023-08-07. Review status: criteria provided, single submitter. Criteria: Invitae Variant Classification Sherloc (09022015). Collection method: clinical testing. Allele origin: germline.
Comment: In summary, the available evidence is currently insufficient to determine the role of this variant in disease. Therefore, it has been classified as a Variant of Uncertain Significance. Advanced modeling of protein sequence and biophysical properties (such as structural, functional, and spatial information, amino acid conservation, physicochemical variation, residue mobility, and thermodynamic stability) performed at Invitae indicates that this missense variant is not expected to disrupt BAP1 protein function. This variant has not been reported in the literature in individuals affected with BAP1-related conditions. This variant is not present in population databases (gnomAD no frequency). This sequence change replaces asparagine, which is neutral and polar, with isoleucine, which is neutral and non-polar, at codon 349 of the BAP1 protein (p.Asn349Ile).